The following is an entry in ClinVar:

ClinVar aggregate classification (germline): Uncertain significance (1 of 4 stars; one submission).

Submission:

CeGaT Center for Human Genetics Tuebingen
Classification: Uncertain significance. Last evaluated: 2022-11-01. Review status: criteria provided, single submitter. Criteria: CeGaT Center For Human Genetics Tuebingen Variant Classification Criteria Version 2. Collection method: clinical testing. Allele origin: germline. Affected: yes. Observed: 1 variant allele.
Comment: DYNC1H1: PM2, PP2

NM_001376.5(DYNC1H1):c.10909G>T (p.Asp3637Tyr)

Gene: DYNC1H1 (dynein cytoplasmic 1 heavy chain 1; plus strand). Cytogenetic location: 14q32.31.
Variant type: single nucleotide variant.
Coding change: c.10909G>T on transcript NM_001376.5 (MANE Select); coding-DNA position 10909, G replaced by T.
Protein change: p.Asp3637Tyr; replaces aspartic acid 3637 with tyrosine.
Molecular consequence: missense variant.
Genome position (GRCh38, 1-based): chr14:102,038,460, G>T. VCF-style: chr14-102038460-G-T. GRCh37 (hg19) VCF-style: chr14-102504797-G-T.
Other names: short protein forms D3637Y.
Identifiers: ClinVar variation 2644569 (VCV002644569.24), dbSNP rs2503842458, ClinGen allele CA391031223.